The following is an entry in ClinVar:

NM_000535.7(PMS2):c.1571C>A (p.Pro524Gln)

Gene: PMS2 (PMS1 homolog 2, mismatch repair system component; minus strand). Cytogenetic location: 7p22.1.
Variant type: single nucleotide variant.
Coding change: c.1571C>A on transcript NM_000535.7 (MANE Select); coding-DNA position 1571, C replaced by A.
Protein change: p.Pro524Gln; replaces proline 524 with glutamine.
Molecular consequence: missense variant. On other transcripts: non-coding transcript variant (1), intron variant (1).
Genome position (GRCh38, 1-based): chr7:5,987,194, G>T on the plus strand (C>A on the coding strand, the complement: PMS2 is on the minus strand). VCF-style: chr7-5987194-G-T. GRCh37 (hg19) VCF-style: chr7-6026825-G-T.
Other names: c.1166C>A, p.Pro389Gln (NM_001406908.1, NM_001406910.1, NM_001406897.1 and 16 more transcripts); c.998C>A, p.Pro333Gln (NM_001406909.1, NM_001322013.2); c.800C>A, p.Pro267Gln (NM_001406911.1); c.804-4203C>A (NM_001406912.1); c.1463C>A, p.Pro488Gln (NM_001406869.1); c.1415C>A, p.Pro472Gln (NM_001406870.1, NM_001322006.2); c.1571C>A, p.Pro524Gln (NM_001406871.1, NM_001406872.1, NM_001322014.2); c.1373C>A, p.Pro458Gln (NM_001406873.1); and 13 more; short protein forms P213Q, P267Q, P333Q, P337Q, P353Q, P366Q, P369Q, P389Q.
Identifiers: ClinVar variation 4862127 (VCV004862127.1).

ClinVar aggregate classification (germline): Uncertain significance (1 of 4 stars; one submission).

Conditions:
Hereditary cancer-predisposing syndrome. Also called: Neoplastic Syndromes, Hereditary; Tumor predisposition; Hereditary Cancer Syndrome; Hereditary neoplastic syndrome. Identifiers: Orphanet 140162, MedGen C0027672, MeSH D009386, MONDO:0015356.

Submission:

Ambry Genetics
Classification: Uncertain significance for Hereditary cancer-predisposing syndrome. Last evaluated: 2026-05-24. Review status: criteria provided, single submitter. Criteria: Ambry Variant Classification Scheme 2023. Collection method: clinical testing. Allele origin: germline.
Comment: The p.P524Q variant (also known as c.1571C>A), located in coding exon 11 of the PMS2 gene, results from a C to A substitution at nucleotide position 1571. The proline at codon 524 is replaced by glutamine, an amino acid with similar properties. This amino acid position is conserved. In addition, this alteration is predicted to be tolerated by in silico analysis. Based on the available evidence, the clinical significance of this variant remains unclear.